The following is an entry in ClinVar:

NM_007118.4(TRIO):c.4670T>C (p.Leu1557Pro)

Gene: TRIO (trio Rho guanine nucleotide exchange factor; plus strand). Cytogenetic location: 5p15.2.
Variant type: single nucleotide variant.
Coding change: c.4670T>C on transcript NM_007118.4 (MANE Select); coding-DNA position 4670, T replaced by C.
Protein change: p.Leu1557Pro; replaces leucine 1557 with proline.
Molecular consequence: missense variant. On other transcripts: non-coding transcript variant (1).
Genome position (GRCh38, 1-based): chr5:14,401,018, T>C. VCF-style: chr5-14401018-T-C. GRCh37 (hg19) VCF-style: chr5-14401127-T-C.
Other names: short protein forms L1557P.
Identifiers: ClinVar variation 2577786 (VCV002577786.1), dbSNP rs2532980809, ClinGen allele CA359194537.

ClinVar aggregate classification (germline): Uncertain significance (1 of 4 stars; one submission).

Submission:

GeneDx
Classification: Uncertain significance. Last evaluated: 2023-02-23. Review status: criteria provided, single submitter. Criteria: GeneDx Variant Classification Process June 2021. Collection method: clinical testing. Allele origin: germline. Affected: yes.
Comment: Not observed at significant frequency in large population cohorts (gnomAD); In silico analysis supports that this missense variant has a deleterious effect on protein structure/function; Has not been previously published as pathogenic or benign to our knowledge